The following is an entry in ClinVar:

NM_183050.4(BCKDHB):c.*832C>T

Gene: BCKDHB (branched chain keto acid dehydrogenase E1 subunit beta; plus strand). Cytogenetic location: 6q14.1.
Variant type: single nucleotide variant.
Coding change: c.*832C>T on transcript NM_183050.4 (MANE Select); 832 bases downstream of the stop codon, C replaced by T.
Molecular consequence: 3 prime UTR variant. On other transcripts: non-coding transcript variant (1), intron variant (1).
Genome position (GRCh38, 1-based): chr6:80,344,636, C>T. VCF-style: chr6-80344636-C-T. GRCh37 (hg19) VCF-style: chr6-81054353-C-T.
Other names: c.*832C>T (NM_001318975.1); c.*8+824C>T (NM_000056.5).
Identifiers: ClinVar variation 358192 (VCV000358192.5), dbSNP rs60566469, ClinGen allele CA10624843.

ClinVar aggregate classification (germline): Benign (1 of 4 stars; one submission).

Conditions:
Maple syrup urine disease (MSUD). Identifiers: Orphanet 511, MedGen C0024776, MeSH D008375, MONDO:0009563. Disease mechanism: loss of function.

Allele frequency attached by ClinVar (database versions not stated): gnomAD 0.06661 and 0.07287; TOPMed 0.07053; 1000 Genomes Project 30x 0.12961; 1000 Genomes Project 0.13259.

Submission:

Illumina Laboratory Services, Illumina
Classification: Benign for Maple syrup urine disease type 1A. Last evaluated: 2018-01-12. Review status: criteria provided, single submitter. Criteria: ICSL Variant Classification Criteria 13 December 2019. Collection method: clinical testing. Allele origin: germline.
Comment: This variant was observed in the ICSL laboratory as part of a predisposition screen in an ostensibly healthy population. It had not been previously curated by ICSL or reported in the Human Gene Mutation Database (HGMD: prior to June 1st, 2018), and was therefore a candidate for classification through an automated scoring system. Utilizing variant allele frequency, disease prevalence and penetrance estimates, and inheritance mode, an automated score was calculated to assess if this variant is too frequent to cause the disease. Based on the score and internal cut-off values, a variant classified as benign is not then subjected to further curation. The score for this variant resulted in a classification of benign for this disease.